The following is an entry in ClinVar:

NM_020831.6(MRTFA):c.2898G>C (p.Leu966Phe)

Gene: MRTFA (myocardin related transcription factor A; minus strand). Cytogenetic location: 22q13.1.
Variant type: single nucleotide variant.
Coding change: c.2898G>C on transcript NM_020831.6 (MANE Select); coding-DNA position 2898, G replaced by C.
Protein change: p.Leu966Phe; replaces leucine 966 with phenylalanine.
Molecular consequence: missense variant. On other transcripts: 3 prime UTR variant (1).
Genome position (GRCh38, 1-based): chr22:40,411,588, C>G on the plus strand (G>C on the coding strand, the complement: MRTFA is on the minus strand). VCF-style: chr22-40411588-C-G. GRCh37 (hg19) VCF-style: chr22-40807592-C-G.
Other names: c.2598G>C, p.Leu866Phe (NM_001282660.2); c.2748G>C, p.Leu916Phe (NM_001282661.3); c.*211G>C (NM_001282662.3); c.2703G>C, p.Leu901Phe (NM_001318139.2); short protein forms L966F, L866F, L901F, L916F.
Identifiers: ClinVar variation 2115633 (VCV002115633.4), dbSNP rs1489158044, ClinGen allele CA411651929.
Genomic context (GRCh38, chr22:40,411,588, plus strand): 5'-GTCCAGGTGGCCATCAGCCAGGTCCAGGCCCATGGTGCTGCTGGGCTCAGGAACAAAGTG[C>G]AATTCCGAGGTGTCCATGGGTGACGGGGGGTGGTCCAGGATGGCAGTGCTGCTCAGCATC-3'
Protein context (NP_065882.2, residues 956-976): HPPSPMDTSE[Leu966Phe]HFVPEPSSTM

ClinVar aggregate classification (germline): Uncertain significance (1 of 4 stars; one submission).

Submission:

Labcorp Genetics (formerly Invitae), Labcorp
Classification: Uncertain significance. Last evaluated: 2022-03-21. Review status: criteria provided, single submitter. Criteria: Invitae Variant Classification Sherloc (09022015). Collection method: clinical testing. Allele origin: germline.
Comment: This sequence change replaces leucine, which is neutral and non-polar, with phenylalanine, which is neutral and non-polar, at codon 866 of the MKL1 protein (p.Leu866Phe). In summary, the available evidence is currently insufficient to determine the role of this variant in disease. Therefore, it has been classified as a Variant of Uncertain Significance. Algorithms developed to predict the effect of missense changes on protein structure and function are either unavailable or do not agree on the potential impact of this missense change (SIFT: "Deleterious"; PolyPhen-2: "Probably Damaging"; Align-GVGD: "Class C0"). This variant has not been reported in the literature in individuals affected with MKL1-related conditions. This variant is present in population databases (no rsID available, gnomAD 0.0009%).